The following is an entry in ClinVar:

NM_019063.5(EML4):c.53C>T (p.Ser18Phe)

Gene: EML4 (EMAP like 4; plus strand). Cytogenetic location: 2p21.
Variant type: single nucleotide variant.
Coding change: c.53C>T on transcript NM_019063.5 (MANE Select); coding-DNA position 53, C replaced by T.
Protein change: p.Ser18Phe; replaces serine 18 with phenylalanine.
Molecular consequence: missense variant.
Genome position (GRCh38, 1-based): chr2:42,245,532, C>T. VCF-style: chr2-42245532-C-T. GRCh37 (hg19) VCF-style: chr2-42472672-C-T.
Other names: c.53C>T, p.Ser18Phe (NM_001145076.3, NM_001410776.1); short protein forms S18F.
Identifiers: ClinVar variation 3034451 (VCV003034451.2), dbSNP rs113909364, ClinGen allele CA1628333.

ClinVar aggregate classification (germline): Likely benign (0 of 4 stars; one submission).

Conditions:
EML4-related disorder. Also called: EML4-related condition.

Allele frequency attached by ClinVar (database versions not stated): 1000 Genomes Project 30x 0.00094; 1000 Genomes Project 0.00100; ESP Exome Variant Server 0.00108; TOPMed 0.00143.
gnomAD v4.1: 394 of 1,613,370 alleles (0.024%); highest among the groups gnomAD compares: African/African-American, 0.43%; 1 homozygote.

Submission:

PreventionGenetics, part of Exact Sciences
Classification: Likely benign for EML4-related condition. Last evaluated: 2022-06-14. Review status: no assertion criteria provided. Collection method: clinical testing. Allele origin: germline.
Comment: This variant is classified as likely benign based on ACMG/AMP sequence variant interpretation guidelines (Richards et al. 2015 PMID: 25741868, with internal and published modifications).